The following is an entry in ClinVar:

ClinVar aggregate classification (germline): Pathogenic. Review status: criteria provided, multiple submitters, no conflicts (2 of 4 stars). 3 submissions from 3 submitters: Pathogenic (3). Last evaluated 2023-08-29.

Conditions:
Familial adenomatous polyposis 4 (FAP4). Also called: MSH3-related attenuated familial adenomatous polyposis. Identifiers: Orphanet 480536, MedGen C4310719, MONDO:0044300, OMIM 617100.
Hereditary cancer-predisposing syndrome. Also called: Hereditary Cancer Syndrome; Hereditary neoplastic syndrome; Neoplastic Syndromes, Hereditary; Tumor predisposition. Identifiers: Orphanet 140162, MedGen C0027672, MeSH D009386, MONDO:0015356.

Submissions (3):

Myriad Genetics, Inc.
Classification: Pathogenic for Familial adenomatous polyposis 4. Last evaluated: 2023-08-29. Review status: criteria provided, single submitter. Criteria: Myriad Autosomal Dominant, Autosomal Recessive and X-Linked Classification Criteria (2023). Collection method: clinical testing. Allele origin: unknown.
Comment: This variant is considered pathogenic. This variant creates a termination codon and is predicted to result in premature protein truncation.

Labcorp Genetics (formerly Invitae), Labcorp
Classification: Pathogenic. Last evaluated: 2023-04-28. Review status: criteria provided, single submitter. Criteria: Invitae Variant Classification Sherloc (09022015). Collection method: clinical testing. Allele origin: germline.
Comment: For these reasons, this variant has been classified as Pathogenic. ClinVar contains an entry for this variant (Variation ID: 1750569). This variant has not been reported in the literature in individuals affected with MSH3-related conditions. This variant is not present in population databases (gnomAD no frequency). This sequence change creates a premature translational stop signal (p.Phe198*) in the MSH3 gene. It is expected to result in an absent or disrupted protein product. Loss-of-function variants in MSH3 are known to be pathogenic (PMID: 27476653).

Ambry Genetics
Classification: Pathogenic for Hereditary cancer-predisposing syndrome. Last evaluated: 2022-05-03. Review status: criteria provided, single submitter. Criteria: Ambry Variant Classification Scheme 2023. Collection method: clinical testing. Allele origin: germline.
Comment: The c.593_594delTT pathogenic mutation, located in coding exon 4 of the MSH3 gene, results from a deletion of two nucleotides at nucleotide positions 593 to 594, causing a translational frameshift with a predicted alternate stop codon (p.F198*). This alteration was identified in a cohort of 37 patients with early onset colorectal cancer that underwent whole exome sequencing (Jongmans MCJ et al. Gastroenterology, 2022 03;162:969-974.e6). This variant is considered to be rare based on population cohorts in the Genome Aggregation Database (gnomAD). In addition to the clinical data presented in the literature, this alteration is expected to result in loss of function by premature protein truncation or nonsense-mediated mRNA decay. As such, this alteration is interpreted as a disease-causing mutation.

Literature cited by the submitters: PubMed 27476653 (cited by Labcorp Genetics (formerly Invitae), Labcorp); PubMed 34767783 (cited by Ambry Genetics).

NM_002439.5(MSH3):c.593_594del (p.Leu197_Phe198insTer)

Gene: MSH3 (mutS homolog 3; plus strand). Cytogenetic location: 5q14.1.
Variant type: Deletion.
Coding change: c.593_594del on transcript NM_002439.5 (MANE Select); coding-DNA positions 593 to 594, 2 bases deleted (TT; older notation c.593_594delTT).
Protein change: p.Leu197_Phe198insTer.
Molecular consequence: nonsense.
Genome position (GRCh38, 1-based): chr5:80,670,110-80,670,111, TT deleted; deleting any 2 consecutive bases within chr5:80,670,107-80,670,111 gives the same sequence; the c. name uses the placement nearest the transcript's 3' end. VCF-style (leftmost placement, unchanged base first): chr5-80670106-CTT-C. GRCh37 (hg19) VCF-style: chr5-79965925-CTT-C.
Identifiers: ClinVar variation 1750569 (VCV001750569.8), dbSNP rs2112812135, ClinGen allele CA2578350171.